The following is an entry in ClinVar:

ClinVar aggregate classification (germline): Uncertain significance (1 of 4 stars; one submission).

Conditions:
Cardiovascular phenotype. Identifiers: MedGen CN230736.

gnomAD v4.1: 1 of 1,589,570 alleles (0.000063%); highest among the groups gnomAD compares: South Asian, 0.0011%; no homozygotes.

Submission:

Ambry Genetics
Classification: Uncertain significance for Cardiovascular phenotype. Last evaluated: 2022-08-22. Review status: criteria provided, single submitter. Criteria: Ambry Variant Classification Scheme 2023. Collection method: clinical testing. Allele origin: germline.
Comment: The p.S1104L variant (also known as c.3311C>T), located in coding exon 8 of the AKAP9 gene, results from a C to T substitution at nucleotide position 3311. The serine at codon 1104 is replaced by leucine, an amino acid with dissimilar properties. This amino acid position is conserved. In addition, this alteration is predicted to be tolerated by in silico analysis. Since supporting evidence is limited at this time, the clinical significance of this alteration remains unclear.

NM_005751.5(AKAP9):c.3311C>T (p.Ser1104Leu)

Gene: AKAP9 (A-kinase anchoring protein 9; plus strand). Cytogenetic location: 7q21.2.
Variant type: single nucleotide variant.
Coding change: c.3311C>T on transcript NM_005751.5 (MANE Select); coding-DNA position 3311, C replaced by T.
Protein change: p.Ser1104Leu; replaces serine 1104 with leucine.
Molecular consequence: missense variant.
Genome position (GRCh38, 1-based): chr7:92,003,228, C>T. VCF-style: chr7-92003228-C-T. GRCh37 (hg19) VCF-style: chr7-91632542-C-T.
Other names: c.3311C>T, p.Ser1104Leu (NM_147185.3); short protein forms S1104L.
Identifiers: ClinVar variation 1730093 (VCV001730093.2), dbSNP rs2484697247, ClinGen allele CA368126806.